The following is an entry in ClinVar:

ClinVar aggregate classification (germline): Pathogenic (1 of 4 stars; one submission).

Conditions:
Hereditary breast ovarian cancer syndrome. Also called: Hereditary breast and ovarian cancer; BRCA1- and BRCA2-Associated Hereditary Breast and Ovarian Cancer; Hereditary breast and ovarian cancer syndrome; Breast and ovarian cancer; Hereditary breast and ovarian cancer syndrome (HBOC); Hereditary breast and/or ovarian cancer syndrome. Identifiers: Orphanet 145, MedGen C0677776, MeSH D061325, MONDO:0003582. Disease mechanism: loss of function.

Submission:

Labcorp Genetics (formerly Invitae), Labcorp
Classification: Pathogenic for Hereditary breast ovarian cancer syndrome. Last evaluated: 2022-12-07. Review status: criteria provided, single submitter. Criteria: Invitae Variant Classification Sherloc (09022015). Collection method: clinical testing. Allele origin: germline.
Comment: For these reasons, this variant has been classified as Pathogenic. This variant has not been reported in the literature in individuals affected with BRCA2-related conditions. This variant is not present in population databases (gnomAD no frequency). This sequence change creates a premature translational stop signal (p.Thr2722Argfs*7) in the BRCA2 gene. It is expected to result in an absent or disrupted protein product. Loss-of-function variants in BRCA2 are known to be pathogenic (PMID: 20104584).

Literature cited by the submitters: PubMed 20104584.

NM_000059.4(BRCA2):c.8165_8166del (p.Thr2722fs)

Gene: BRCA2 (BRCA2 DNA repair associated; plus strand). Cytogenetic location: 13q13.1.
Variant type: Deletion.
Coding change: c.8165_8166del on transcript NM_000059.4 (MANE Select); coding-DNA positions 8165 to 8166, 2 bases deleted (CA; older notation c.8165_8166delCA).
Protein change: p.Thr2722fs; shifts the reading frame from threonine 2722.
Molecular consequence: frameshift variant. On other transcripts: non-coding transcript variant (1).
Genome position (GRCh38, 1-based): chr13:32,363,367-32,363,368, CA deleted; deleting any 2 consecutive bases within chr13:32,363,366-32,363,368 gives the same sequence; the c. name uses the placement nearest the transcript's 3' end. VCF-style (leftmost placement, unchanged base first): chr13-32363365-TAC-T. GRCh37 (hg19) VCF-style: chr13-32937502-TAC-T.
Other names: c.8069_8070del, p.Thr2690fs (NM_001406719.1); c.8165_8166del, p.Thr2722fs (NM_001406720.1); c.3233_3234del, p.Thr1078fs (NM_001406721.1); c.1748_1749del, p.Thr583fs (NM_001406722.1); short protein forms T2690fs, T583fs, T1078fs, T2722fs.
Identifiers: ClinVar variation 2819079 (VCV002819079.3), dbSNP rs2548546588, ClinGen allele CA2739277543.
Genomic context (GRCh38, chr13:32,363,365, plus strand): 5'-TGAAACTTCTAGCAATAAAACTAGTAGTGCAGATACCCAAAAAGTGGCCATTATTGAACT[TAC>T]AGATGGGTGGTATGCTGTTAAGGCCCAGTTAGATCCTCCCCTCTTAGCTGTCTTAAAGAA-3'